The following is an entry in ClinVar:

NM_014956.5(CEP164):c.3809A>G (p.Gln1270Arg)

Gene: CEP164 (centrosomal protein 164; plus strand). Cytogenetic location: 11q23.3.
Variant type: single nucleotide variant.
Coding change: c.3809A>G on transcript NM_014956.5 (MANE Select); coding-DNA position 3809, A replaced by G.
Protein change: p.Gln1270Arg; replaces glutamine 1270 with arginine.
Molecular consequence: missense variant.
Genome position (GRCh38, 1-based): chr11:117,409,678, A>G. VCF-style: chr11-117409678-A-G. GRCh37 (hg19) VCF-style: chr11-117280394-A-G.
Other names: c.3794A>G, p.Gln1265Arg (NM_001271933.2); short protein forms Q1265R, Q1270R.
Identifiers: ClinVar variation 1714508 (VCV001714508.5), dbSNP rs2542750302, ClinGen allele CA382743696.

ClinVar aggregate classification (germline): Uncertain significance (1 of 4 stars; one submission).

Conditions:
Nephronophthisis 15 (NPHP15). Identifiers: Orphanet 3156, MedGen C3541853, MONDO:0013917, OMIM 614845.

Submission:

Labcorp Genetics (formerly Invitae), Labcorp
Classification: Uncertain significance for Nephronophthisis 15. Last evaluated: 2023-11-20. Review status: criteria provided, single submitter. Criteria: Invitae Variant Classification Sherloc (09022015). Collection method: clinical testing. Allele origin: germline.
Comment: This sequence change replaces glutamine, which is neutral and polar, with arginine, which is basic and polar, at codon 1270 of the CEP164 protein (p.Gln1270Arg). This variant is not present in population databases (gnomAD no frequency). This variant has not been reported in the literature in individuals affected with CEP164-related conditions. ClinVar contains an entry for this variant (Variation ID: 1714508). Advanced modeling of protein sequence and biophysical properties (such as structural, functional, and spatial information, amino acid conservation, physicochemical variation, residue mobility, and thermodynamic stability) performed at Invitae indicates that this missense variant is not expected to disrupt CEP164 protein function with a negative predictive value of 80%. In summary, the available evidence is currently insufficient to determine the role of this variant in disease. Therefore, it has been classified as a Variant of Uncertain Significance.